The following is an entry in ClinVar:

NM_002491.3(NDUFB3):c.13C>T (p.His5Tyr)

Gene: NDUFB3 (NADH:ubiquinone oxidoreductase subunit B3; plus strand). Cytogenetic location: 2q33.1.
Variant type: single nucleotide variant.
Coding change: c.13C>T on transcript NM_002491.3 (MANE Select); coding-DNA position 13, C replaced by T.
Protein change: p.His5Tyr; replaces histidine 5 with tyrosine.
Molecular consequence: missense variant.
Genome position (GRCh38, 1-based): chr2:201,078,895, C>T. VCF-style: chr2-201078895-C-T. GRCh37 (hg19) VCF-style: chr2-201943618-C-T.
Other names: c.13C>T, p.His5Tyr (NM_001257102.2); c.13C>T (NM_002491.2); short protein forms H5Y.
Identifiers: ClinVar variation 1957911 (VCV001957911.5), dbSNP rs2469677178, ClinGen allele CA350268178.

ClinVar aggregate classification (germline): Uncertain significance. Review status: criteria provided, multiple submitters, no conflicts (2 of 4 stars). 2 submissions from 2 submitters: Uncertain significance (2). Last evaluated 2024-10-09.

Conditions:
Inborn genetic diseases. Identifiers: MedGen C0950123, MeSH D030342.

Allele frequency attached by ClinVar (database versions not stated): gnomAD exomes below 0.00001.

Submissions (2):

Ambry Genetics
Classification: Uncertain significance for Inborn genetic diseases. Last evaluated: 2024-10-09. Review status: criteria provided, single submitter. Criteria: Ambry Variant Classification Scheme 2023. Collection method: clinical testing. Allele origin: germline.

Labcorp Genetics (formerly Invitae), Labcorp
Classification: Uncertain significance. Last evaluated: 2022-08-09. Review status: criteria provided, single submitter. Criteria: Invitae Variant Classification Sherloc (09022015). Collection method: clinical testing. Allele origin: germline.
Comment: This variant has not been reported in the literature in individuals affected with NDUFB3-related conditions. Algorithms developed to predict the effect of missense changes on protein structure and function are either unavailable or do not agree on the potential impact of this missense change (SIFT: "Deleterious"; PolyPhen-2: "Benign"; Align-GVGD: "Class C0"). In summary, the available evidence is currently insufficient to determine the role of this variant in disease. Therefore, it has been classified as a Variant of Uncertain Significance. This variant is not present in population databases (gnomAD no frequency). This sequence change replaces histidine, which is basic and polar, with tyrosine, which is neutral and polar, at codon 5 of the NDUFB3 protein (p.His5Tyr).